The following is an entry in ClinVar:

NM_133433.4(NIPBL):c.4550C>G (p.Ser1517Ter)

Gene: NIPBL (NIPBL cohesin loading factor; plus strand). Cytogenetic location: 5p13.2.
Variant type: single nucleotide variant.
Coding change: c.4550C>G on transcript NM_133433.4 (MANE Select); coding-DNA position 4550, C replaced by G.
Protein change: p.Ser1517Ter; replaces serine 1517 with a stop codon.
Molecular consequence: nonsense.
Genome position (GRCh38, 1-based): chr5:37,010,215, C>G. VCF-style: chr5-37010215-C-G. GRCh37 (hg19) VCF-style: chr5-37010317-C-G.
Other names: c.4550C>G, p.Ser1517Ter (NM_015384.5); short protein forms S1517*.
Identifiers: ClinVar variation 662635 (VCV000662635.8), dbSNP rs751902505, ClinGen allele CA359528152.

ClinVar aggregate classification (germline): Pathogenic (1 of 4 stars; one submission).

Conditions:
Cornelia de Lange syndrome 1 (CDLS1). Also called: TYPUS DEGENERATIVUS AMSTELODAMENSIS; NIPBL-Related Cornelia de Lange Syndrome; Brachmann de Lange syndrome. Identifiers: Orphanet 199, MedGen C4551851, MONDO:0007387, OMIM 122470.

Submission:

Labcorp Genetics (formerly Invitae), Labcorp
Classification: Pathogenic for Cornelia de Lange syndrome 1. Last evaluated: 2022-06-04. Review status: criteria provided, single submitter. Criteria: Invitae Variant Classification Sherloc (09022015). Collection method: clinical testing. Allele origin: germline.
Comment: This premature translational stop signal has been observed in individual(s) with Cornelia de Lange syndrome (Invitae). ClinVar contains an entry for this variant (Variation ID: 662635). For these reasons, this variant has been classified as Pathogenic. This variant is not present in population databases (gnomAD no frequency). This sequence change creates a premature translational stop signal (p.Ser1517*) in the NIPBL gene. It is expected to result in an absent or disrupted protein product. Loss-of-function variants in NIPBL are known to be pathogenic (PMID: 15318302, 19763162, 23505322, 29995837).

Literature cited by the submitters: PubMed 15318302; PubMed 19763162; PubMed 23505322; PubMed 29995837.